The following is an entry in ClinVar:

ClinVar aggregate classification (germline): Pathogenic (1 of 4 stars; one submission).

Conditions:
Phenylketonuria (PKU). Also called: FOLLING DISEASE; OLIGOPHRENIA PHENYLPYRUVICA; Phenylketonurias; Phenylketonuria (PKU). Identifiers: Orphanet 716, MedGen C0031485, MONDO:0009861, OMIM 261600. Disease mechanism: loss of function.

Submission:

Labcorp Genetics (formerly Invitae), Labcorp
Classification: Pathogenic for Phenylketonuria. Last evaluated: 2024-02-01. Review status: criteria provided, single submitter. Criteria: Invitae Variant Classification Sherloc (09022015). Collection method: clinical testing. Allele origin: germline.
Comment: This sequence change creates a premature translational stop signal (p.Phe39*) in the PAH gene. It is expected to result in an absent or disrupted protein product. Loss-of-function variants in PAH are known to be pathogenic (PMID: 1301187, 9634518). This variant is not present in population databases (gnomAD no frequency). This variant has not been reported in the literature in individuals affected with PAH-related conditions. For these reasons, this variant has been classified as Pathogenic.

Literature cited by the submitters: PubMed 1301187; PubMed 9634518.

NM_000277.3(PAH):c.111_115dup (p.Phe39Ter)

Gene: PAH (phenylalanine hydroxylase; minus strand). Cytogenetic location: 12q23.2.
Variant type: Duplication.
Coding change: c.111_115dup on transcript NM_000277.3 (MANE Select); coding-DNA positions 111 to 115, 5 bases duplicated (GATCT; older notation c.111_115dupGATCT).
Protein change: p.Phe39Ter; replaces phenylalanine 39 with a stop codon.
Molecular consequence: nonsense.
Genome position (GRCh38, 1-based): chr12:102,912,844-102,912,848, AGATC duplicated on the plus strand (GATCT on the coding strand, the reverse complement: PAH is on the minus strand); duplicating any 5 consecutive bases within chr12:102,912,844-102,912,850 gives the same sequence; the c. name uses the placement nearest the transcript's 3' end. VCF-style (leftmost placement, unchanged base first): chr12-102912843-A-AAGATC. GRCh37 (hg19) VCF-style: chr12-103306621-A-AAGATC.
Other names: c.111_115dup, p.Phe39Ter (NM_001354304.2); short protein forms F39*.
Identifiers: ClinVar variation 3666952 (VCV003666952.2).
Genomic context (GRCh38, chr12:102,912,843, plus strand): 5'-GCACTGACCTCAAATAAGCGCAATACTTTGGCCAATGCACCAACTTCTTCTTTGAGTGAG[A>AAGATC]AGATCAGTGATATGGCACCATTTTGATTGCAGTTGTCTTCAATATAGCTTGTTTCCTACA-3'